The following is an entry in ClinVar:

ClinVar aggregate classification (germline): Uncertain significance (1 of 4 stars; one submission).

Submission:

Labcorp Genetics (formerly Invitae), Labcorp
Classification: Uncertain significance. Last evaluated: 2023-12-26. Review status: criteria provided, single submitter. Criteria: Invitae Variant Classification Sherloc (09022015). Collection method: clinical testing. Allele origin: germline.
Comment: This sequence change replaces glutamine, which is neutral and polar, with arginine, which is basic and polar, at codon 443 of the GCKR protein (p.Gln443Arg). This variant is not present in population databases (gnomAD no frequency). This variant has not been reported in the literature in individuals affected with GCKR-related conditions. Advanced modeling of protein sequence and biophysical properties (such as structural, functional, and spatial information, amino acid conservation, physicochemical variation, residue mobility, and thermodynamic stability) performed at Invitae indicates that this missense variant is not expected to disrupt GCKR protein function with a negative predictive value of 80%. In summary, the available evidence is currently insufficient to determine the role of this variant in disease. Therefore, it has been classified as a Variant of Uncertain Significance.

NM_001486.4(GCKR):c.1328A>G (p.Gln443Arg)

Gene: GCKR (glucokinase regulator; plus strand). Cytogenetic location: 2p23.3.
Variant type: single nucleotide variant.
Coding change: c.1328A>G on transcript NM_001486.4 (MANE Select); coding-DNA position 1328, A replaced by G.
Protein change: p.Gln443Arg; replaces glutamine 443 with arginine.
Molecular consequence: missense variant.
Genome position (GRCh38, 1-based): chr2:27,508,064, A>G. VCF-style: chr2-27508064-A-G. GRCh37 (hg19) VCF-style: chr2-27730931-A-G.
Other names: short protein forms Q443R.
Identifiers: ClinVar variation 2705600 (VCV002705600.3), dbSNP rs2466120763, ClinGen allele CA346419287.